The following is an entry in ClinVar:

NM_001377.3(DYNC2H1):c.1360+2del

Gene: DYNC2H1 (dynein cytoplasmic 2 heavy chain 1; plus strand). Cytogenetic location: 11q22.3.
Variant type: Deletion.
Coding change: c.1360+2del on transcript NM_001377.3 (MANE Select); the canonical splice donor site of the intron after coding-DNA position 1360, one base deleted (T; older notation c.1360+2delT).
Molecular consequence: splice donor variant.
Genome position (GRCh38, 1-based): chr11:103,121,038, T deleted. VCF-style (leftmost placement, unchanged base first): chr11-103121037-GT-G. GRCh37 (hg19) VCF-style: chr11-102991766-GT-G.
Other names: c.1360+2del (NM_001080463.2); c.1360+2delT (NM_001080463.1).
Identifiers: ClinVar variation 199053 (VCV000199053.18), dbSNP rs780539887, ClinGen allele CA210635.

ClinVar aggregate classification (germline): Pathogenic/Likely pathogenic. Review status: criteria provided, multiple submitters, no conflicts (2 of 4 stars). 6 submissions from 6 submitters: Pathogenic (3); Likely pathogenic (1). 2 of the submissions do not count toward it. Last evaluated 2025-06-25.

Conditions:
DYNC2H1-related disorder. Also called: DYNC2H1-related disorders; DYNC2H1-related condition. Identifiers: MedGen CN378770.
Asphyxiating thoracic dystrophy 3. Also called: POLYDACTYLY WITH NEONATAL CHONDRODYSTROPHY, TYPE I; SHORT-RIB THORACIC DYSPLASIA 3/6 WITH POLYDACTYLY, DIGENIC; SHORT-RIB THORACIC DYSPLASIA 3 WITH OR WITHOUT POLYDACTYLY; Short rib polydactyly syndrome 2B; Saldino-Noonan Syndrome. Identifiers: Orphanet 474, Orphanet 93269, Orphanet 93270, Orphanet 93271, MedGen C0036069, MONDO:0013127, OMIM 613091.
Jeune thoracic dystrophy. Also called: Short-rib thoracic dysplasia; Jeune syndrome; Infantile thoracic dystrophy; Thoracic pelvic phalangeal dystrophy; Jeune's syndrome; Chondroectodermal dysplasia-like syndrome. Identifiers: Orphanet 474, MedGen C0265275, MONDO:0018770.

Allele frequency attached by ClinVar (database versions not stated): gnomAD exomes 0.00001 and 0.00002; ExAC 0.00002; gnomAD 0.00002; TOPMed 0.00002.

Submissions (6):

GeneDx
Classification: Pathogenic. Last evaluated: 2025-06-25. Review status: criteria provided, single submitter. Criteria: GeneDx Variant Classification Process June 2021. Collection method: clinical testing. Allele origin: germline. Affected: yes.
Comment: Canonical splice site variant predicted to result in a null allele in a gene for which loss of function is a known mechanism of disease; Not observed at significant frequency in large population cohorts (gnomAD); This variant is associated with the following publications: (PMID: 29068549, 37091781)

Labcorp Genetics (formerly Invitae), Labcorp
Classification: Pathogenic for Jeune thoracic dystrophy. Last evaluated: 2025-05-15. Review status: criteria provided, single submitter. Criteria: Invitae Variant Classification Sherloc (09022015). Collection method: clinical testing. Allele origin: germline.
Comment: This sequence change affects a splice site in intron 9 of the DYNC2H1 gene. It is expected to disrupt RNA splicing. Variants that disrupt the donor or acceptor splice site typically lead to a loss of protein function (PMID: 16199547), and loss-of-function variants in DYNC2H1 are known to be pathogenic (PMID: 23339108, 32753734, 33755199). This variant is present in population databases (rs780539887, gnomAD 0.002%). Disruption of this splice site has been observed in individual(s) with short-rib polydactyly syndrome (PMID: 29068549). In at least one individual the data is consistent with being in trans (on the opposite chromosome) from a pathogenic variant. ClinVar contains an entry for this variant (Variation ID: 199053). Algorithms developed to predict the effect of sequence changes on RNA splicing suggest that this variant may disrupt the consensus splice site. For these reasons, this variant has been classified as Pathogenic.

PreventionGenetics, part of Exact Sciences
Classification: Likely pathogenic for DYNC2H1-related condition. Last evaluated: 2023-03-28. Review status: criteria provided, single submitter. Criteria: ACMG Guidelines, 2015. Collection method: clinical testing. Allele origin: germline.
Comment: The DYNC2H1 c.1360+2delT variant is predicted to result in a deletion affecting a canonical splice site. This variant was reported in the compound heterozygous state in an individual with short rib-polydactyly syndrome, type 3 (Table S2, Zhang et al. 2018. PubMed ID: 29068549). This variant is reported in 0.0019% of alleles in individuals of European (Non-Finnish) descent in gnomAD. This variant is interpreted as likely pathogenic.

Eurofins Ntd Llc (ga)
Classification: Pathogenic. Last evaluated: 2014-05-07. Review status: criteria provided, single submitter. Criteria: EGL Classification Definitions 2015. Collection method: clinical testing. Allele origin: germline. Observed: 1 variant allele, 1 heterozygote.

Dan Cohn Lab, University Of California Los Angeles
Classification: Pathogenic for Asphyxiating thoracic dystrophy 3. Last evaluated: 2017-06-01. Review status: no assertion criteria provided. Collection method: research. Allele origin: paternal. Affected: yes. Not counted in ClinVar's aggregate classification.

University of Washington Center for Mendelian Genomics, University of Washington
Classification: Likely pathogenic for Asphyxiating thoracic dystrophy 3. Review status: no assertion criteria provided. Collection method: research. Allele origin: inherited. Affected: yes. Not counted in ClinVar's aggregate classification.

Literature cited by the submitters: PubMed 16199547 (cited by Labcorp Genetics (formerly Invitae), Labcorp); PubMed 23339108 (cited by Labcorp Genetics (formerly Invitae), Labcorp); PubMed 32753734 (cited by Labcorp Genetics (formerly Invitae), Labcorp); PubMed 33755199 (cited by Labcorp Genetics (formerly Invitae), Labcorp); PubMed 29068549 (cited by 3 submitters).